The following is an entry in ClinVar:

NM_002972.4(SBF1):c.5382_5383del (p.Tyr1795fs)

Gene: SBF1 (SET binding factor 1; minus strand). Cytogenetic location: 22q13.33.
Variant type: Deletion.
Coding change: c.5382_5383del on transcript NM_002972.4 (MANE Select); coding-DNA positions 5382 to 5383, 2 bases deleted (GT; older notation c.5382_5383delGT).
Protein change: p.Tyr1795fs; shifts the reading frame from tyrosine 1795.
Molecular consequence: frameshift variant.
Genome position (GRCh38, 1-based): chr22:50,447,590-50,447,591, AC deleted on the plus strand (GT on the coding strand, the reverse complement: SBF1 is on the minus strand); deleting any 2 consecutive bases within chr22:50,447,590-50,447,592 gives the same sequence; the c. name uses the placement nearest the transcript's 3' end. VCF-style (leftmost placement, unchanged base first): chr22-50447589-TAC-T. GRCh37 (hg19) VCF-style: chr22-50886018-TAC-T.
Other names: c.5307_5308del, p.Tyr1770fs (NM_001365819.1); short protein forms Y1770fs, Y1795fs.
Identifiers: ClinVar variation 818060 (VCV000818060.7), dbSNP rs1603430221, ClinGen allele CA515258637.

ClinVar aggregate classification (germline): Conflicting classifications of pathogenicity. Review status: criteria provided, conflicting classifications (1 of 4 stars). 2 submissions from 2 submitters: Likely pathogenic (1); Uncertain significance (1). Last evaluated 2021-06-24.

Submissions (2):

Labcorp Genetics (formerly Invitae), Labcorp
Classification: Uncertain significance. Last evaluated: 2021-06-24. Review status: criteria provided, single submitter. Criteria: Invitae Variant Classification Sherloc (09022015). Collection method: clinical testing. Allele origin: germline.
Comment: ClinVar contains an entry for this variant (Variation ID: 818060). This variant has not been reported in the literature in individuals affected with SBF1-related conditions. This variant is not present in population databases (ExAC no frequency). This sequence change creates a premature translational stop signal (p.Tyr1795Glnfs*57) in the SBF1 gene. While this is not anticipated to result in nonsense mediated decay, it is expected to disrupt the last 99 amino acid(s) of the SBF1 protein. In summary, the available evidence is currently insufficient to determine the role of this variant in disease. Therefore, it has been classified as a Variant of Uncertain Significance. This variant disrupts the C-terminus of the SBF1 protein. Other variant(s) that disrupt this region (p.Thr1827Argfs*25) have been observed in individuals with SBF1-related conditions (PMID: 32444983). This suggests that this may be a clinically significant region of the protein. Experimental studies and prediction algorithms are not available or were not evaluated, and the functional significance of this variant is currently unknown.

GeneDx
Classification: Likely pathogenic. Last evaluated: 2019-03-12. Review status: criteria provided, single submitter. Criteria: GeneDx Variant Classification (06012015). Collection method: clinical testing. Allele origin: germline. Affected: yes.
Comment: The c.5382_5383delGT variant in the SBF1 gene has not been reported previously as a pathogenic variant nor as a benign variant, to our knowledge. The c.5382_5383delGT variant causes a frameshift starting with codon Tyrosine 1795, changes this amino acid to a Glutamine residue, and creates a premature Stop codon at position 57 of the new reading frame, denoted p.Tyr1795GlnfsX57. This variant is predicted to cause loss of normal protein function through protein truncation, as the last 99 amino acids are lost and replaced with 56 incorrect amino acids. The c.5382_5383delGT variant is not observed in large population cohorts (Lek et al., 2016). We interpret c.5382_5383delGT as a likely pathogenic variant.

Literature cited by the submitters: PubMed 32444983 (cited by Labcorp Genetics (formerly Invitae), Labcorp).